The following is an entry in ClinVar:

ClinVar aggregate classification (germline): Uncertain significance (1 of 4 stars; one submission).

Conditions:
Cardiovascular phenotype. Identifiers: MedGen CN230736.

Submission:

Ambry Genetics
Classification: Uncertain significance for Cardiovascular phenotype. Last evaluated: 2023-03-31. Review status: criteria provided, single submitter. Criteria: Ambry Variant Classification Scheme 2023. Collection method: clinical testing. Allele origin: germline.
Comment: The p.N14H variant (also known as c.40A>C), located in coding exon 2 of the MYL2 gene, results from an A to C substitution at nucleotide position 40. The asparagine at codon 14 is replaced by histidine, an amino acid with similar properties. This amino acid position is conserved. In addition, this alteration is predicted to be tolerated by in silico analysis. Since supporting evidence is limited at this time, the clinical significance of this alteration remains unclear.

NM_000432.4(MYL2):c.40A>C (p.Asn14His)

Genes: MYL2 (myosin light chain 2; minus strand), LOC114827850 (VISTA enhancer hs2149; plus strand). Cytogenetic location: 12q24.11.
Variant type: single nucleotide variant.
Coding change: c.40A>C on transcript NM_000432.4 (MANE Select); coding-DNA position 40, A replaced by C.
Protein change: p.Asn14His; replaces asparagine 14 with histidine.
Molecular consequence: missense variant. On other transcripts: 5 prime UTR variant (1).
Genome position (GRCh38, 1-based): chr12:110,919,157, T>G on the plus strand (A>C on the coding strand, the complement: MYL2 is on the minus strand). VCF-style: chr12-110919157-T-G. GRCh37 (hg19) VCF-style: chr12-111356961-T-G.
Other names: c.40A>C, p.Asn14His (NM_001406745.1, NM_001406746.1); c.-18A>C (NM_001406916.1); short protein forms N14H.
Identifiers: ClinVar variation 2567164 (VCV002567164.2), dbSNP rs2499814987, ClinGen allele CA386700306.